The following is an entry in ClinVar:

NM_000138.5(FBN1):c.4414T>C (p.Cys1472Arg)

Gene: FBN1 (fibrillin 1; minus strand). Cytogenetic location: 15q21.1.
Variant type: single nucleotide variant.
Coding change: c.4414T>C on transcript NM_000138.5 (MANE Select); coding-DNA position 4414, T replaced by C.
Protein change: p.Cys1472Arg; replaces cysteine 1472 with arginine.
Molecular consequence: missense variant.
Genome position (GRCh38, 1-based): chr15:48,470,679, A>G on the plus strand (T>C on the coding strand, the complement: FBN1 is on the minus strand). VCF-style: chr15-48470679-A-G. GRCh37 (hg19) VCF-style: chr15-48762876-A-G.
Other names: NM_000138.5(FBN1):c.4414T>C; p.Cys1472Arg; short protein forms C1472R.
Identifiers: ClinVar variation 549229 (VCV000549229.27), dbSNP rs1555397403, ClinGen allele CA392354459.

ClinVar aggregate classification (germline): Pathogenic. Review status: reviewed by expert panel (3 of 4 stars). 4 submissions from 4 submitters: Pathogenic (1). 3 of the submissions do not count toward it. Last evaluated 2023-09-28.

Conditions:
Familial thoracic aortic aneurysm and aortic dissection (TAAD). Also called: Thoracic aortic aneurysms and dissections. Identifiers: Orphanet 91387, MedGen C4707243, MONDO:0019625.
Marfan syndrome (MFS). Also called: Marfan syndrome type 1; Marfan syndrome, classic; Marfan's syndrome; FBN1-Related Marfan Syndrome; MARFAN SYNDROME, TYPE I. Identifiers: Orphanet 284963, Orphanet 558, MedGen C0024796, MONDO:0007947, OMIM 154700.

Submissions (4):

ClinGen FBN1 Variant Curation Expert Panel, ClinGen
Classification: Pathogenic for Marfan syndrome. Last evaluated: 2023-09-28. Review status: reviewed by expert panel. Criteria: Assertion Criteria VCEP FBN1 Version 1. Collection method: curation. Allele origin: germline. Inheritance: Autosomal dominant inheritance.
Comment: The NM_00138 c.4414T>C is a missense variant in FBN1 predicted to cause a substitution of a cysteine by arginine at amino acid 1472 (p.Cys1472Arg). This variant has been reported 3 times in ClinVar, once as pathogenic and twice as likely pathogenic (Variation ID: 549229). 6 other probands with a clinical diagnosis of Marfan syndrome or clinical features of Marfan syndrome carry the same variant (PMID 33087052, InvitaeClinVarentry, University of Antwerp ClinVar entry, internal data, PS4). This variant is not present in gnomAD (PM2_sup; version 2.1.1). This variant affects a cysteine residue in a calcium binding EGF domain. Cysteine residues are believed to be involved in the formation of disulfide bridges which are essential for the protein structure (PM1_strong). Computational prediction tools and conservation analysis suggest that this variant may impact the protein (REVEL: 0.979) (PP3). The constraint z-score for missense variants affecting FBN1 is 5.06 (PP2). In summary, this variant meets criteria to be classified as pathogenic for Marfan syndrome based on the ACMG/AMP criteria applied, as specified by the ClinGen FBN1 VCEP: PS4, PM1_Strong, PP2, PP3, PP4

Labcorp Genetics (formerly Invitae), Labcorp
Classification: Pathogenic for Marfan syndrome; Familial thoracic aortic aneurysm and aortic dissection. Last evaluated: 2024-10-02. Review status: criteria provided, single submitter. Criteria: Invitae Variant Classification Sherloc (09022015). Collection method: clinical testing. Allele origin: germline. Not counted in ClinVar's aggregate classification.
Comment: This sequence change replaces cysteine, which is neutral and slightly polar, with arginine, which is basic and polar, at codon 1472 of the FBN1 protein (p.Cys1472Arg). This variant is not present in population databases (gnomAD no frequency). This missense change has been observed in individual(s) with clinical features of Marfan syndrome (PMID: 35058154; internal data). In at least one individual the variant was observed to be de novo. ClinVar contains an entry for this variant (Variation ID: 549229). Invitae Evidence Modeling of protein sequence and biophysical properties (such as structural, functional, and spatial information, amino acid conservation, physicochemical variation, residue mobility, and thermodynamic stability) indicates that this missense variant is expected to disrupt FBN1 protein function with a positive predictive value of 95%. This variant affects a cysteine residue in the EGF-like, TGFBP or hybrid motif domains of FBN1. Cysteine residues are believed to be involved in intramolecular disulfide bridges and have been shown to be important for FBN1 protein structure (PMID: 16905551, 19349279). In addition, missense substitutions affecting cysteine residues within these domains are significantly overrepresented among patients with Marfan syndrome (PMID: 16571647, 17701892). This variant disrupts the p.Cys1472 amino acid residue in FBN1. Other variant(s) that disrupt this residue have been observed in individuals with FBN1-related conditions (PMID: 26787436), which suggests that this may be a clinically significant amino acid residue. For these reasons, this variant has been classified as Pathogenic.

Centre of Medical Genetics, University of Antwerp
Classification: Pathogenic for Marfan syndrome. Last evaluated: 2021-03-01. Review status: criteria provided, single submitter. Criteria: Submitter's publication. Collection method: research. Allele origin: unknown. Affected: yes. Observed: 2 variant alleles. Not counted in ClinVar's aggregate classification.
Comment: PM2, PVS2, PP4

Center for Medical Genetics Ghent, University of Ghent
Classification: Likely pathogenic for Marfan syndrome. Last evaluated: 2017-11-07. Review status: no assertion criteria provided. Collection method: clinical testing. Allele origin: germline. Affected: yes. Not counted in ClinVar's aggregate classification.

Literature cited by the submitters: PubMed 35058154 (cited by Labcorp Genetics (formerly Invitae), Labcorp); PubMed 16905551 (cited by Labcorp Genetics (formerly Invitae), Labcorp); PubMed 19349279 (cited by Labcorp Genetics (formerly Invitae), Labcorp); PubMed 16571647 (cited by Labcorp Genetics (formerly Invitae), Labcorp); PubMed 17701892 (cited by Labcorp Genetics (formerly Invitae), Labcorp); PubMed 26787436 (cited by Labcorp Genetics (formerly Invitae), Labcorp).